The following is an entry in ClinVar:

ClinVar aggregate classification (germline): Uncertain significance (1 of 4 stars; one submission).

Conditions:
Hereditary cancer-predisposing syndrome. Also called: Neoplastic Syndromes, Hereditary; Tumor predisposition; Hereditary Cancer Syndrome; Hereditary neoplastic syndrome. Identifiers: Orphanet 140162, MedGen C0027672, MeSH D009386, MONDO:0015356.

Submission:

Ambry Genetics
Classification: Uncertain significance for Hereditary cancer-predisposing syndrome. Last evaluated: 2021-08-03. Review status: criteria provided, single submitter. Criteria: Ambry Variant Classification Scheme 2023. Collection method: clinical testing. Allele origin: germline.
Comment: The p.A557G variant (also known as c.1670C>G), located in coding exon 15 of the NF2 gene, results from a C to G substitution at nucleotide position 1670. The alanine at codon 557 is replaced by glycine, an amino acid with similar properties. This amino acid position is not well conserved in available vertebrate species. In addition, this alteration is predicted to be tolerated by in silico analysis. Since supporting evidence is limited at this time, the clinical significance of this alteration remains unclear.

NM_000268.4(NF2):c.1670C>G (p.Ala557Gly)

Gene: NF2 (NF2, moesin-ezrin-radixin like (MERLIN) tumor suppressor; plus strand). Cytogenetic location: 22q12.2.
Variant type: single nucleotide variant.
Coding change: c.1670C>G on transcript NM_000268.4 (MANE Select); coding-DNA position 1670, C replaced by G.
Protein change: p.Ala557Gly; replaces alanine 557 with glycine.
Molecular consequence: missense variant. On other transcripts: non-coding transcript variant (1), intron variant (1).
Genome position (GRCh38, 1-based): chr22:29,681,534, C>G. VCF-style: chr22-29681534-C-G. GRCh37 (hg19) VCF-style: chr22-30077523-C-G.
Other names: c.1556C>G, p.Ala519Gly (NM_001407053.1, NM_001407056.1); c.1547C>G, p.Ala516Gly (NM_001407054.1, NM_001407058.1, NM_181829.3); c.1544C>G, p.Ala515Gly (NM_001407055.1, NM_181828.3); c.1535C>G, p.Ala512Gly (NM_001407057.1, NM_001407059.1); c.1412C>G, p.Ala471Gly (NM_001407062.1); c.1421C>G, p.Ala474Gly (NM_001407063.1, NM_181830.3, NM_181831.3); c.1136C>G, p.Ala379Gly (NM_001407065.1); c.1670C>G, p.Ala557Gly (NM_001407066.1, NM_016418.5, NM_181825.3 and 1 more transcripts); and 2 more; short protein forms A474G, A512G, A515G, A557G, A516G, A480G, A519G, A379G.
Identifiers: ClinVar variation 1777676 (VCV001777676.2), dbSNP rs2147123062, ClinGen allele CA411150278.